The following is an entry in ClinVar:

NM_000046.5(ARSB):c.1143-1G>A

Gene: ARSB (arylsulfatase B; minus strand). Cytogenetic location: 5q14.1.
Variant type: single nucleotide variant.
Coding change: c.1143-1G>A on transcript NM_000046.5 (MANE Select); the canonical splice acceptor site of the intron before coding-DNA position 1143, G replaced by A.
Molecular consequence: splice acceptor variant.
Genome position (GRCh38, 1-based): chr5:78,839,427, C>T on the plus strand (G>A on the coding strand, the complement: ARSB is on the minus strand). VCF-style: chr5-78839427-C-T. GRCh37 (hg19) VCF-style: chr5-78135250-C-T.
Other names: c.1143-1G>A (NM_198709.3, NM_000046.4).
Identifiers: ClinVar variation 2678364 (VCV002678364.2), dbSNP rs431905495, ClinGen allele CA360338747.

ClinVar aggregate classification (germline): Pathogenic/Likely pathogenic. Review status: criteria provided, multiple submitters, no conflicts (2 of 4 stars). 2 submissions from 2 submitters: Pathogenic (1); Likely pathogenic (1). Last evaluated 2025-06-20.

Conditions:
Mucopolysaccharidosis type 6 (MPS6). Also called: N-ACETYLGALACTOSAMINE-4-SULFATASE DEFICIENCY; MPS VI; ARSB DEFICIENCY; ARYLSULFATASE B DEFICIENCY; MPS 6; Maroteaux Lamy syndrome. Identifiers: Orphanet 583, MedGen C0026709, MONDO:0009661, OMIM 253200.

Submissions (2):

Natera, Inc.
Classification: Pathogenic for Mucopolysaccharidosis type VI. Last evaluated: 2025-06-20. Review status: criteria provided, single submitter. Criteria: Natera Variant Classification Schema (03/2026). Collection method: clinical testing. Allele origin: germline.
Comment: The c.1143-1G>A variant in ARSB is a canonical splice acceptor site variant predicted to affect pre-mRNA splicing, which may result in an abnormal transcript and altered protein product. This variant is expected to result in nonsense mediated decay, truncation, or a dysfunctional protein product. This variant is rare in the general population with a frequency below the threshold expected for the associated phenotype(s). Another variant at this same site results in an alteration predicted to cause a similar molecular effect has been observed in individual(s) with the associated phenotype. Given the available evidence, this variant is classified as Pathogenic.

Baylor Genetics
Classification: Likely pathogenic for Mucopolysaccharidosis type 6. Last evaluated: 2023-09-19. Review status: criteria provided, single submitter. Criteria: ACMG Guidelines, 2015. Collection method: clinical testing. Allele origin: unknown.